The following is an entry in ClinVar:

ClinVar aggregate classification (germline): Likely pathogenic (1 of 4 stars; one submission).

Conditions:
Polymicrogyria, perisylvian, with cerebellar hypoplasia and arthrogryposis (NEDSPLB). Identifiers: MedGen C4225295, MONDO:0014679, OMIM 616531.

Submission:

MVZ Medizinische Genetik Mainz
Classification: Likely pathogenic for Polymicrogyria, perisylvian, with cerebellar hypoplasia and arthrogryposis. Last evaluated: 2024-06-18. Review status: criteria provided, single submitter. Criteria: UK Practice Guidelines For Variant Classification V4 01 2020. Collection method: clinical testing. Allele origin: germline. Inheritance: Autosomal recessive inheritance. Affected: yes. Observed: 1 variant allele.
Comment: ACMG Criteria: PVS1,PM2_SUP; Compound Heterozygote

NM_058004.4(PI4KA):c.5821C>T (p.Arg1941Ter)

Gene: PI4KA (phosphatidylinositol 4-kinase alpha; minus strand). Cytogenetic location: 22q11.21.
Variant type: single nucleotide variant.
Coding change: c.5821C>T on transcript NM_058004.4 (MANE Select); coding-DNA position 5821, C replaced by T.
Protein change: p.Arg1941Ter; replaces arginine 1941 with a stop codon.
Molecular consequence: nonsense.
Genome position (GRCh38, 1-based): chr22:20,711,443, G>A on the plus strand (C>T on the coding strand, the complement: PI4KA is on the minus strand). VCF-style: chr22-20711443-G-A. GRCh37 (hg19) VCF-style: chr22-21065731-G-A.
Other names: c.5728C>T, p.Arg1910Ter (NM_001362862.2); c.5755C>T, p.Arg1919Ter (NM_001362863.2); short protein forms R1919*, R1910*, R1941*.
Identifiers: ClinVar variation 3256669 (VCV003256669.1), dbSNP rs767451281.